The following is an entry in ClinVar:

NM_001363711.2(DUOX2):c.1324A>T (p.Ser442Cys)

Gene: DUOX2 (dual oxidase 2; minus strand). Cytogenetic location: 15q21.1.
Variant type: single nucleotide variant.
Coding change: c.1324A>T on transcript NM_001363711.2 (MANE Select); coding-DNA position 1324, A replaced by T.
Protein change: p.Ser442Cys; replaces serine 442 with cysteine.
Molecular consequence: missense variant.
Genome position (GRCh38, 1-based): chr15:45,108,863, T>A on the plus strand (A>T on the coding strand, the complement: DUOX2 is on the minus strand). VCF-style: chr15-45108863-T-A. GRCh37 (hg19) VCF-style: chr15-45401061-T-A.
Other names: c.1324A>T, p.Ser442Cys (NM_014080.5); short protein forms S442C.
Identifiers: ClinVar variation 2816949 (VCV002816949.3), dbSNP rs2504775395, ClinGen allele CA392276876.

ClinVar aggregate classification (germline): Uncertain significance (1 of 4 stars; one submission).

Submission:

Labcorp Genetics (formerly Invitae), Labcorp
Classification: Uncertain significance. Last evaluated: 2023-07-14. Review status: criteria provided, single submitter. Criteria: Invitae Variant Classification Sherloc (09022015). Collection method: clinical testing. Allele origin: germline.
Comment: In summary, the available evidence is currently insufficient to determine the role of this variant in disease. Therefore, it has been classified as a Variant of Uncertain Significance. Advanced modeling of protein sequence and biophysical properties (such as structural, functional, and spatial information, amino acid conservation, physicochemical variation, residue mobility, and thermodynamic stability) performed at Invitae indicates that this missense variant is not expected to disrupt DUOX2 protein function. This variant has not been reported in the literature in individuals affected with DUOX2-related conditions. This variant is not present in population databases (gnomAD no frequency). This sequence change replaces serine, which is neutral and polar, with cysteine, which is neutral and slightly polar, at codon 442 of the DUOX2 protein (p.Ser442Cys).